The following is an entry in ClinVar:

ClinVar aggregate classification (germline): Uncertain significance (1 of 4 stars; one submission).

Conditions:
Hereditary cancer-predisposing syndrome. Also called: Tumor predisposition; Neoplastic Syndromes, Hereditary; Hereditary neoplastic syndrome; Hereditary Cancer Syndrome. Identifiers: Orphanet 140162, MedGen C0027672, MeSH D009386, MONDO:0015356.

Submission:

Ambry Genetics
Classification: Uncertain significance for Hereditary cancer-predisposing syndrome. Last evaluated: 2025-08-27. Review status: criteria provided, single submitter. Criteria: Ambry Variant Classification Scheme 2023. Collection method: clinical testing. Allele origin: germline.
Comment: The p.V356F variant (also known as c.1066G>T), located in coding exon 12 of the MUTYH gene, results from a G to T substitution at nucleotide position 1066. The valine at codon 356 is replaced by phenylalanine, an amino acid with highly similar properties. This amino acid position is conserved. In addition, this alteration is predicted to be tolerated by in silico analysis. Based on the available evidence, the clinical significance of this variant remains unclear.

NM_001048174.2(MUTYH):c.982G>T (p.Val328Phe)

Gene: MUTYH (mutY DNA glycosylase; minus strand). Cytogenetic location: 1p34.1.
Variant type: single nucleotide variant.
Coding change: c.982G>T on transcript NM_001048174.2 (MANE Select); coding-DNA position 982, G replaced by T.
Protein change: p.Val328Phe; replaces valine 328 with phenylalanine.
Molecular consequence: missense variant. On other transcripts: non-coding transcript variant (7).
Genome position (GRCh38, 1-based): chr1:45,331,781, C>A on the plus strand (G>T on the coding strand, the complement: MUTYH is on the minus strand). VCF-style: chr1-45331781-C-A. GRCh37 (hg19) VCF-style: chr1-45797453-C-A.
Other names: c.1066G>T, p.Val356Phe (NM_001128425.2); c.1027G>T, p.Val343Phe (NM_001293190.2); c.1015G>T, p.Val339Phe (NM_001293191.2, NM_001407069.1, NM_001407077.1); c.706G>T, p.Val236Phe (NM_001293192.2, NM_001293196.2, NM_001407091.1); c.982G>T, p.Val328Phe (NM_001293195.2, NM_001407081.1, NM_001407088.1 and 6 more transcripts); c.637G>T, p.Val213Phe (NM_001350650.2, NM_001407082.1, NM_001350651.2); c.940G>T, p.Val314Phe (NM_001407080.1); c.1024G>T, p.Val342Phe (NM_001407083.1, NM_001407085.1); and 5 more; short protein forms V335F, V343F, V236F, V315F, V353F, V356F, V213F, V314F.
Identifiers: ClinVar variation 4112977 (VCV004112977.1).